The following is an entry in ClinVar:

ClinVar aggregate classification (germline): Uncertain significance (1 of 4 stars; one submission).

Allele frequency attached by ClinVar (database versions not stated): gnomAD 0.00001; gnomAD exomes 0.00001; TOPMed 0.00001; ExAC 0.00003.
gnomAD v4.1: 21 of 1,614,094 alleles (0.0013%); highest among the groups gnomAD compares: East Asian, 0.0022%; no homozygotes.

Submission:

Labcorp Genetics (formerly Invitae), Labcorp
Classification: Uncertain significance. Last evaluated: 2022-04-04. Review status: criteria provided, single submitter. Criteria: Invitae Variant Classification Sherloc (09022015). Collection method: clinical testing. Allele origin: germline.
Comment: This sequence change falls in intron 8 of the CYP4V2 gene. It does not directly change the encoded amino acid sequence of the CYP4V2 protein. This variant is present in population databases (rs759808993, gnomAD 0.01%). In summary, the available evidence is currently insufficient to determine the role of this variant in disease. Therefore, it has been classified as a Variant of Uncertain Significance. Algorithms developed to predict the effect of sequence changes on RNA splicing suggest that this variant may disrupt the consensus splice site. This variant has not been reported in the literature in individuals affected with CYP4V2-related conditions.

NM_207352.4(CYP4V2):c.1091-14C>T

Gene: CYP4V2 (cytochrome P450 family 4 subfamily V member 2; plus strand). Cytogenetic location: 4q35.2.
Variant type: single nucleotide variant.
Coding change: c.1091-14C>T on transcript NM_207352.4 (MANE Select); 14 bases into the intron before coding-DNA position 1091, C replaced by T.
Molecular consequence: intron variant.
Genome position (GRCh38, 1-based): chr4:186,208,851, C>T. VCF-style: chr4-186208851-C-T. GRCh37 (hg19) VCF-style: chr4-187130005-C-T.
Identifiers: ClinVar variation 1925380 (VCV001925380.5), dbSNP rs759808993, ClinGen allele CA3162754.